The following is an entry in ClinVar:

ClinVar aggregate classification (germline): Likely pathogenic (1 of 4 stars; one submission).

Conditions:
Mucolipidosis type II. Also called: ML II ALPHA/BETA; Mucolipidosis 2; ML 2; Inclusion cell disease; Leroy Disease; N-acetylglucosamine 1phosphotransferase deficiency. Identifiers: Orphanet 576, MedGen C2673377, MONDO:0009650, OMIM 252500.
Pseudo-Hurler polydystrophy. Also called: ML III; ML III ALPHA/BETA; Mucolipidosis III Alpha/Beta; Type III Mucolipidosis; ML IIIA; MUCOLIPIDOSIS IIIA. Identifiers: Orphanet 423461, Orphanet 577, MedGen C0033788, MONDO:0018931, OMIM 252600.

Submission:

Diagnostics Division, CENTRE FOR DNA FINGERPRINTING AND DIAGNOSTICS
Classification: Likely pathogenic for Mucolipidosis type II; Pseudo-Hurler polydystrophy. Last evaluated: 2016-01-01. Review status: criteria provided, single submitter. Criteria: ACMG Guidelines, 2015. Collection method: research. Allele origin: unknown. Affected: yes. Observed: 1 compound heterozygote.
Comment: Inframe deletion variant

NM_024312.5(GNPTAB):c.2369_2370del (p.Phe790fs)

Gene: GNPTAB (N-acetylglucosamine-1-phosphate transferase subunits alpha and beta; minus strand). Cytogenetic location: 12q23.2.
Variant type: Deletion.
Coding change: c.2369_2370del on transcript NM_024312.5 (MANE Select); coding-DNA positions 2369 to 2370, 2 bases deleted (TT; older notation c.2369_2370delTT).
Protein change: p.Phe790fs; shifts the reading frame from phenylalanine 790.
Molecular consequence: frameshift variant.
Genome position (GRCh38, 1-based): chr12:101,764,547-101,764,548, AA deleted on the plus strand (TT on the coding strand, the reverse complement: GNPTAB is on the minus strand); deleting any 2 consecutive bases within chr12:101,764,547-101,764,550 gives the same sequence; the c. name uses the placement nearest the transcript's 3' end. VCF-style (leftmost placement, unchanged base first): chr12-101764546-GAA-G. GRCh37 (hg19) VCF-style: chr12-102158324-GAA-G.
Other names: short protein forms F790fs.
Identifiers: ClinVar variation 397567 (VCV000397567.3), dbSNP rs1060499685, ClinGen allele CA16609431.
Genomic context (GRCh38, chr12:101,764,546, plus strand): 5'-CCAAGTCCAGGGGTGGATTCTGACCCTGGTCATGACCATTCACTTTTACACTCACTGCAG[GAA>G]AAGTCAACCTCTGCAATCTTTCAGACACTCCTAAGCTGTTTGGCAAGATGCTTTTATGAA-3'